The following is an entry in ClinVar:

NM_152594.3(SPRED1):c.355G>A (p.Ala119Thr)

Gene: SPRED1 (sprouty related EVH1 domain containing 1; plus strand). Cytogenetic location: 15q14.
Variant type: single nucleotide variant.
Coding change: c.355G>A on transcript NM_152594.3 (MANE Select); coding-DNA position 355, G replaced by A.
Protein change: p.Ala119Thr; replaces alanine 119 with threonine.
Molecular consequence: missense variant.
Genome position (GRCh38, 1-based): chr15:38,322,388, G>A. VCF-style: chr15-38322388-G-A. GRCh37 (hg19) VCF-style: chr15-38614589-G-A.
Other names: short protein forms A119T.
Identifiers: ClinVar variation 3961405 (VCV003961405.1).
Genomic context (GRCh38, chr15:38,322,388, plus strand): 5'-TTTGGTCTTACGTTTCAAAGTCCTGCTGATGCTAGGGCTTTTGATAGAGGTATCCGAAGA[G>A]CTATAGAGGATATTTCTCAAGGTAGGTATTCTTGACTATTTTCTTAATTTATTTATCGGT-3'
Protein context (NP_689807.1, residues 109-129): ARAFDRGIRR[Ala119Thr]IEDISQGCPE

ClinVar aggregate classification (germline): Uncertain significance (1 of 4 stars; one submission).

Conditions:
Cardiovascular phenotype. Identifiers: MedGen CN230736.

Submission:

Ambry Genetics
Classification: Uncertain significance for Cardiovascular phenotype. Last evaluated: 2025-05-27. Review status: criteria provided, single submitter. Criteria: Ambry Variant Classification Scheme 2023. Collection method: clinical testing. Allele origin: germline.
Comment: The p.A119T variant (also known as c.355G>A), located in coding exon 3 of the SPRED1 gene, results from a G to A substitution at nucleotide position 355. The alanine at codon 119 is replaced by threonine, an amino acid with similar properties. This amino acid position is conserved. In addition, this alteration is predicted to be deleterious by in silico analysis. Based on the available evidence, the clinical significance of this variant remains unclear.